The following is an entry in ClinVar:

Conditions:
Breast-ovarian cancer, familial, susceptibility to, 1 (BROVCA1). Also called: BRCA1 Hereditary Breast and Ovarian Cancer; OVARIAN CANCER, SUSCEPTIBILITY TO. Identifiers: Orphanet 145, MedGen C2676676, MONDO:0011450, OMIM 604370. Disease mechanism: loss of function.

Submission:

Brotman Baty Institute, University of Washington
No classification provided (evidence only). Condition: Breast-ovarian cancer, familial 1. Review status: no classification provided. Collection method: in vitro. Allele origin: not applicable. Functional consequence: function_uncertain_variant.
ClinVar note: "not provided" was previously submitted as the classification for the variant. However, the classification appeared to be based only on an observation of functional data so it was converted to no classification on 2025-07-30.

NM_007294.4(BRCA1):c.5379G>T (p.Lys1793Asn)

Gene: BRCA1 (BRCA1 DNA repair associated; minus strand). Cytogenetic location: 17q21.31.
Variant type: single nucleotide variant.
Coding change: c.5379G>T on transcript NM_007294.4 (MANE Select); coding-DNA position 5379, G replaced by T.
Protein change: p.Lys1793Asn; replaces lysine 1793 with asparagine.
Molecular consequence: missense variant. On other transcripts: non-coding transcript variant (1), intron variant (1).
Genome position (GRCh38, 1-based): chr17:43,049,148, C>A on the plus strand (G>T on the coding strand, the complement: BRCA1 is on the minus strand). VCF-style: chr17-43049148-C-A. GRCh37 (hg19) VCF-style: chr17-41201165-C-A.
Other names: c.5166G>T, p.Lys1722Asn (NM_001407571.1, NM_001407900.1, NM_001407902.1 and 12 more transcripts); c.5445G>T, p.Lys1815Asn (NM_001407581.1, NM_001407582.1); c.5442G>T, p.Lys1814Asn (NM_001407583.1, NM_001407585.1, NM_001407587.1 and 1 more transcripts); c.5439G>T, p.Lys1813Asn (NM_001407590.1, NM_001407591.1); c.5379G>T, p.Lys1793Asn (NM_001407593.1, NM_001407594.1, NM_001407596.1 and 5 more transcripts); c.5376G>T, p.Lys1792Asn (NM_001407610.1, NM_001407611.1, NM_001407612.1 and 14 more transcripts); c.5373G>T, p.Lys1791Asn (NM_001407627.1, NM_001407628.1, NM_001407629.1 and 13 more transcripts); c.5370G>T, p.Lys1790Asn (NM_001407644.1, NM_001407645.1); and 73 more; short protein forms K1814N, K689N, K1746N, K1793N, K1497N, K1639N, K1665N, K1723N.
Identifiers: ClinVar variation 865400 (VCV000865400.3), dbSNP rs1367255905, ClinGen allele CA10590714.
Genomic context (GRCh38, chr17:43,049,148, plus strand): 5'-TCCTCCCTCTCTGACAGGGCACCCAATACTTACTGTGCCAAGGGTGAATGATGAAAGCTC[C>A]TTCACCACAGAAGCACCACACAGCTGTACCATCCATTCCAGTTGATCTAAAATGGACATT-3'
Protein context (NP_009225.1, residues 1783-1803): MVQLCGASVV[Lys1793Asn]ELSSFTLGTG